The following is an entry in ClinVar:

ClinVar aggregate classification (germline): Pathogenic (1 of 4 stars; one submission).

Conditions:
Inherited MMR deficiency (Lynch syndrome).

Submission:

Genomics and Molecular Medicine Service, East Genomic Laboratory Hub, NHS Genomic Medicine Service
Classification: Pathogenic for Inherited MMR deficiency (Lynch syndrome). Last evaluated: 2026-08-11. Review status: criteria provided, single submitter. Criteria: ACGS Best Practice Guidelines for Variant Classification in Rare Disease 2020. Collection method: clinical testing. Allele origin: germline. Affected: yes.
Comment: PVS1,PM2_Supporting,PP4

NM_000179.3(MSH6):c.3151dup (p.Val1051fs)

Gene: MSH6 (mutS homolog 6; plus strand). Cytogenetic location: 2p16.3.
Variant type: Duplication.
Coding change: c.3151dup on transcript NM_000179.3 (MANE Select); coding-DNA position 3151, one base duplicated (G; older notation c.3151dupG).
Protein change: p.Val1051fs; shifts the reading frame from valine 1051.
Molecular consequence: frameshift variant. On other transcripts: non-coding transcript variant (5), intron variant (2).
Genome position (GRCh38, 1-based): chr2:47,801,134, G duplicated. VCF-style (leftmost placement, unchanged base first): chr2-47801133-T-TG. GRCh37 (hg19) VCF-style: chr2-48028272-T-TG.
Other names: c.2308+843dup (NM_001406803.1); c.1606+1545dup (NM_001406817.1); c.2761dup, p.Val921fs (NM_001281492.2); c.2245dup, p.Val749fs (NM_001281493.2, NM_001281494.2, NM_001406811.1 and 6 more transcripts); c.3247dup, p.Val1083fs (NM_001406795.1, NM_001406802.1); c.3151dup, p.Val1051fs (NM_001406796.1, NM_001406798.1, NM_001406800.1 and 2 more transcripts); c.2854dup, p.Val952fs (NM_001406797.1, NM_001406801.1, NM_001406805.1 and 10 more transcripts); c.2626dup, p.Val876fs (NM_001406799.1, NM_001406806.1, NM_001406807.1); and 4 more; short protein forms V1025fs, V1051fs, V1053fs, V1083fs, V366fs, V749fs, V876fs, V921fs.
Identifiers: ClinVar variation 4890869 (VCV004890869.1).